The following is an entry in ClinVar:

ClinVar aggregate classification (germline): Uncertain significance (1 of 4 stars; one submission).

Submission:

GeneDx
Classification: Uncertain significance. Last evaluated: 2025-02-09. Review status: criteria provided, single submitter. Criteria: GeneDx Variant Classification Process June 2021. Collection method: clinical testing. Allele origin: germline.
Comment: Not observed at significant frequency in large population cohorts (gnomAD); In silico analysis supports that this missense variant has a deleterious effect on protein structure/function; Missense variants in this gene are a common cause of disease and they are underrepresented in the general population; Has not been previously published as pathogenic or benign to our knowledge

NM_003289.4(TPM2):c.51C>G (p.Asn17Lys)

Gene: TPM2 (tropomyosin 2; minus strand). Cytogenetic location: 9p13.3.
Variant type: single nucleotide variant.
Coding change: c.51C>G on transcript NM_003289.4 (MANE Select); coding-DNA position 51, C replaced by G.
Protein change: p.Asn17Lys; replaces asparagine 17 with lysine.
Molecular consequence: missense variant.
Genome position (GRCh38, 1-based): chr9:35,689,767, G>C on the plus strand (C>G on the coding strand, the complement: TPM2 is on the minus strand). VCF-style: chr9-35689767-G-C. GRCh37 (hg19) VCF-style: chr9-35689764-G-C.
Other names: c.51C>G, p.Asn17Lys (NM_001301226.2, NM_001301227.2, NM_213674.1); short protein forms N17K.
Identifiers: ClinVar variation 3368026 (VCV003368026.2).